The following is an entry in ClinVar:

ClinVar aggregate classification (germline): Likely benign (1 of 4 stars; one submission).

Allele frequency attached by ClinVar (database versions not stated): gnomAD exomes below 0.00001.
gnomAD v4.1: 1 of 1,614,178 alleles (0.000062%); highest among the groups gnomAD compares: Admixed American, 0.0017%; no homozygotes.

Submission:

GeneDx
Classification: Likely benign. Last evaluated: 2017-10-11. Review status: criteria provided, single submitter. Criteria: GeneDx Variant Classification (06012015). Collection method: clinical testing. Allele origin: germline. Affected: yes.
Comment: This variant is considered likely benign or benign based on one or more of the following criteria: it is a conservative change, it occurs at a poorly conserved position in the protein, it is predicted to be benign by multiple in silico algorithms, and/or has population frequency not consistent with disease.

NM_006031.6(PCNT):c.5155G>A (p.Ala1719Thr)

Gene: PCNT (pericentrin; plus strand). Cytogenetic location: 21q22.3.
Variant type: single nucleotide variant.
Coding change: c.5155G>A on transcript NM_006031.6 (MANE Select); coding-DNA position 5155, G replaced by A.
Protein change: p.Ala1719Thr; replaces alanine 1719 with threonine.
Molecular consequence: missense variant.
Genome position (GRCh38, 1-based): chr21:46,411,228, G>A. VCF-style: chr21-46411228-G-A. GRCh37 (hg19) VCF-style: chr21-47831142-G-A.
Other names: c.4801G>A, p.Ala1601Thr (NM_001315529.2); short protein forms A1719T, A1601T.
Identifiers: ClinVar variation 512690 (VCV000512690.1), dbSNP rs1290537073, ClinGen allele CA410551835.